The following is an entry in ClinVar:

ClinVar aggregate classification (germline): Uncertain significance (1 of 4 stars; one submission).

Submission:

GeneDx
Classification: Uncertain significance. Last evaluated: 2026-10-21. Review status: criteria provided, single submitter. Criteria: GeneDx Variant Classification Process June 2021. Collection method: clinical testing. Allele origin: germline.
Comment: Not observed at significant frequency in large population cohorts (gnomAD); In silico analysis supports that this missense variant has a deleterious effect on protein structure/function; Has not been previously published as pathogenic or benign to our knowledge

NM_001039591.3(USP9X):c.883A>G (p.Lys295Glu)

Gene: USP9X (ubiquitin specific peptidase 9 X-linked; plus strand). Cytogenetic location: Xp11.4.
Variant type: single nucleotide variant.
Coding change: c.883A>G on transcript NM_001039591.3 (MANE Select); coding-DNA position 883, A replaced by G.
Protein change: p.Lys295Glu; replaces lysine 295 with glutamic acid.
Molecular consequence: missense variant.
Genome position (GRCh38, 1-based): chrX:41,141,078, A>G. VCF-style: chrX-41141078-A-G. GRCh37 (hg19) VCF-style: chrX-41000331-A-G.
Other names: c.883A>G, p.Lys295Glu (NM_001039590.3); short protein forms K295E.
Identifiers: ClinVar variation 1313961 (VCV001313961.3), dbSNP rs2147048292, ClinGen allele CA412766962.